The following is an entry in ClinVar:

ClinVar aggregate classification (germline): Uncertain significance (1 of 4 stars; one submission).

Conditions:
PHIP-related disorder. Also called: PHIP-related disorders; PHIP-related condition.

Submission:

PreventionGenetics, part of Exact Sciences
Classification: Uncertain significance for PHIP-related condition. Last evaluated: 2025-06-23. Review status: criteria provided, single submitter. Criteria: ACMG Guidelines, 2015. Collection method: clinical testing. Allele origin: germline.
Comment: The PHIP c.129+2T>G variant is predicted to disrupt the GT donor site and interfere with normal splicing. If this variant results in exon 3 skipping, it is not predicted to disrupt the reading frame and would possibly result in the loss of ten amino acids. However, the use of computer prediction programs is not equivalent to functional evidence. To our knowledge, this variant has not been reported in the literature or in a large population database (gnomAD), indicating this variant is rare. Although we suspect that this variant may be pathogenic, at this time, the clinical significance of this variant is uncertain due to the absence of conclusive functional and genetic evidence.

NM_017934.7(PHIP):c.129+2T>G

Gene: PHIP (PHIP subunit of CUL4-Ring ligase complex; minus strand). Cytogenetic location: 6q14.1.
Variant type: single nucleotide variant.
Coding change: c.129+2T>G on transcript NM_017934.7 (MANE Select); the canonical splice donor site of the intron after coding-DNA position 129, T replaced by G.
Molecular consequence: splice donor variant.
Genome position (GRCh38, 1-based): chr6:79,077,698, A>C on the plus strand (T>G on the coding strand, the complement: PHIP is on the minus strand). VCF-style: chr6-79077698-A-C. GRCh37 (hg19) VCF-style: chr6-79787415-A-C.
Identifiers: ClinVar variation 5000611 (VCV005000611.1).
Genomic context (GRCh38, chr6:79,077,698, plus strand): 5'-GGCGCAGCGGCCCAGAGGCGGCCGCGCGGCGGCGGGACGCGCCGGGCCGCCGCCGCCCTT[A>C]CCTCCTTCTCGGCCACCTCGCGGATCAGCACCTGCAACAACAAAGCGGGGAGAGCTGAGC-3'